The following is an entry in ClinVar:

NM_003482.4(KMT2D):c.16449C>T (p.Ala5483=)

Gene: KMT2D (lysine methyltransferase 2D; minus strand). Cytogenetic location: 12q13.12.
Variant type: single nucleotide variant.
Coding change: c.16449C>T on transcript NM_003482.4 (MANE Select); coding-DNA position 16449, C replaced by T.
Protein change: p.Ala5483=; no amino-acid change (alanine 5483 retained).
Molecular consequence: synonymous variant.
Genome position (GRCh38, 1-based): chr12:49,022,115, G>A on the plus strand (C>T on the coding strand, the complement: KMT2D is on the minus strand). VCF-style: chr12-49022115-G-A. GRCh37 (hg19) VCF-style: chr12-49415898-G-A.
Identifiers: ClinVar variation 723772 (VCV000723772.46), dbSNP rs372675867, ClinGen allele CA6545368.

ClinVar aggregate classification (germline): Likely benign. Review status: criteria provided, multiple submitters, no conflicts (2 of 4 stars). 4 submissions from 4 submitters: Likely benign (4). Last evaluated 2026-07-01.

Conditions:
Kabuki syndrome. Also called: NIIKAWA-KUROKI SYNDROME; Kabuki make-up syndrome. Identifiers: Orphanet 2322, MedGen C0796004, MONDO:0016512.

Allele frequency attached by ClinVar (database versions not stated): gnomAD exomes 0.00016 and 0.00021; TOPMed 0.00017; gnomAD 0.00018 and 0.00019; ExAC 0.00024; ESP Exome Variant Server 0.00048.
gnomAD v4.1: 263 of 1,613,750 alleles (0.016%); highest among the groups gnomAD compares: Non-Finnish European, 0.017%; no homozygotes.

Submissions (4):

CeGaT Center for Human Genetics Tuebingen
Classification: Likely benign. Last evaluated: 2026-07-01. Review status: criteria provided, single submitter. Criteria: CeGaT Center For Human Genetics Tuebingen Variant Classification Criteria Version 2. Collection method: clinical testing. Allele origin: germline. Affected: yes. Observed: 5 variant alleles.
Comment: KMT2D: BP4, BP7

Labcorp Genetics (formerly Invitae), Labcorp
Classification: Likely benign for Kabuki syndrome. Last evaluated: 2025-12-27. Review status: criteria provided, single submitter. Criteria: Invitae Variant Classification Sherloc (09022015). Collection method: clinical testing. Allele origin: germline.

Laboratory of Genetics, Children's Clinical University Hospital Latvia
Classification: Likely benign. Last evaluated: 2025-02-16. Review status: criteria provided, single submitter. Criteria: ACMG Guidelines, 2015. Collection method: clinical testing. Allele origin: germline. Affected: yes.

Blueprint Genetics
Classification: Likely benign. Last evaluated: 2024-11-26. Review status: criteria provided, single submitter. Criteria: ACMG Guidelines, 2015. Collection method: clinical testing. Allele origin: germline.